The following is an entry in ClinVar:

ClinVar aggregate classification (germline): Benign (1 of 4 stars; one submission).

Conditions:
Heterotaxy, visceral, 4, autosomal (HTX4). Identifiers: Orphanet 450, MedGen C3151057, MONDO:0013403, OMIM 613751.

Allele frequency attached by ClinVar (database versions not stated): gnomAD 0.01331; TOPMed 0.01520; 1000 Genomes Project 0.01637; 1000 Genomes Project 30x 0.01780.

Submission:

Illumina Laboratory Services, Illumina
Classification: Benign for Heterotaxy, visceral, 4, autosomal. Last evaluated: 2018-01-12. Review status: criteria provided, single submitter. Criteria: ICSL Variant Classification Criteria 13 December 2019. Collection method: clinical testing. Allele origin: germline.
Comment: This variant was observed in the ICSL laboratory as part of a predisposition screen in an ostensibly healthy population. It had not been previously curated by ICSL or reported in the Human Gene Mutation Database (HGMD: prior to June 1st, 2018), and was therefore a candidate for classification through an automated scoring system. Utilizing variant allele frequency, disease prevalence and penetrance estimates, and inheritance mode, an automated score was calculated to assess if this variant is too frequent to cause the disease. Based on the score and internal cut-off values, a variant classified as benign is not then subjected to further curation. The score for this variant resulted in a classification of benign for this disease.

NM_001106.4(ACVR2B):c.*7379G>A

Gene: ACVR2B (activin A receptor type 2B; plus strand). Cytogenetic location: 3p22.2.
Variant type: single nucleotide variant.
Coding change: c.*7379G>A on transcript NM_001106.4 (MANE Select); 7379 bases downstream of the stop codon, G replaced by A.
Molecular consequence: 3 prime UTR variant.
Genome position (GRCh38, 1-based): chr3:38,490,711, G>A. VCF-style: chr3-38490711-G-A. GRCh37 (hg19) VCF-style: chr3-38532202-G-A.
Identifiers: ClinVar variation 345020 (VCV000345020.5), dbSNP rs115907825, ClinGen allele CA10616274.